The following is an entry in ClinVar:

ClinVar aggregate classification (germline): Uncertain significance. Review status: criteria provided, multiple submitters, no conflicts (2 of 4 stars). 2 submissions from 2 submitters: Uncertain significance (2). Last evaluated 2025-06-13.

Submissions (2):

Labcorp Genetics (formerly Invitae), Labcorp
Classification: Uncertain significance. Last evaluated: 2025-06-13. Review status: criteria provided, single submitter. Criteria: Invitae Variant Classification Sherloc (09022015). Collection method: clinical testing. Allele origin: germline.
Comment: This sequence change replaces aspartic acid, which is acidic and polar, with asparagine, which is neutral and polar, at codon 35 of the UQCRB protein (p.Asp35Asn). This variant is present in population databases (no rsID available, gnomAD 0.003%). This variant has not been reported in the literature in individuals affected with UQCRB-related conditions. ClinVar contains an entry for this variant (Variation ID: 3466329). An algorithm developed to predict the effect of missense changes on protein structure and function (PolyPhen-2) suggests that this variant is likely to be disruptive. In summary, the available evidence is currently insufficient to determine the role of this variant in disease. Therefore, it has been classified as a Variant of Uncertain Significance.

Ambry Genetics
Classification: Uncertain significance. Last evaluated: 2024-08-12. Review status: criteria provided, single submitter. Criteria: Ambry Variant Classification Scheme 2023. Collection method: clinical testing. Allele origin: germline.

NM_006294.5(UQCRB):c.103G>A (p.Asp35Asn)

Gene: UQCRB (ubiquinol-cytochrome c reductase binding protein; minus strand). Cytogenetic location: 8q22.1.
Variant type: single nucleotide variant.
Coding change: c.103G>A on transcript NM_006294.5 (MANE Select); coding-DNA position 103, G replaced by A.
Protein change: p.Asp35Asn; replaces aspartic acid 35 with asparagine.
Molecular consequence: missense variant. On other transcripts: non-coding transcript variant (1).
Genome position (GRCh38, 1-based): chr8:96,231,929, C>T on the plus strand (G>A on the coding strand, the complement: UQCRB is on the minus strand). VCF-style: chr8-96231929-C-T. GRCh37 (hg19) VCF-style: chr8-97244157-C-T.
Other names: c.7G>A, p.Asp3Asn (NM_001199975.3); c.103G>A, p.Asp35Asn (NM_001254752.2); short protein forms D35N, D3N.
Identifiers: ClinVar variation 3466329 (VCV003466329.2).
Genomic context (GRCh38, chr8:96,231,929, plus strand): 5'-GGTTCTCAGGAAGTCTTCTTATGGCTTCTTTTACATCTTCATCCTCGTATATTGTATCAT[C>T]TCGCATTAACCCTATGATAGATGACAAAGTTAGATTGCACATGCATCTCAAAAATCGCGG-3'
Protein context (NP_006285.1, residues 25-45): AGFNKLGLMR[Asp35Asn]DTIYEDEDVK